The following is an entry in ClinVar:

ClinVar aggregate classification (germline): Uncertain significance (1 of 4 stars; one submission).

Conditions:
Hereditary cancer-predisposing syndrome. Also called: Hereditary Cancer Syndrome; Hereditary neoplastic syndrome; Neoplastic Syndromes, Hereditary; Tumor predisposition. Identifiers: Orphanet 140162, MedGen C0027672, MeSH D009386, MONDO:0015356.

Submission:

Sema4
Classification: Uncertain significance for Hereditary cancer-predisposing syndrome. Last evaluated: 2021-10-25. Review status: criteria provided, single submitter. Criteria: Sema4 Curation Guidelines. Collection method: curation. Allele origin: germline.
Comment: The TSC2 c.1655C>A (p.A552E) variant has not been reported in the literature to our knowledge. It was not observed in the large and broad cohorts of the Genome Aggregation Database (PMID: 32461654). This variant has been reported in ClinVar (Variation ID: 406013). Functional studies have not been performed, and in silico predictions of the variant's effect on protein function are inconclusive. The evidence is insufficient to meet ACMG/AMP criteria for classifying the variant as benign or pathogenic. Thus, the clinical significance of this variant is currently uncertain.

NM_000548.5(TSC2):c.1655C>A (p.Ala552Glu)

Gene: TSC2 (TSC complex subunit 2; plus strand). Cytogenetic location: 16p13.3.
Variant type: single nucleotide variant.
Coding change: c.1655C>A on transcript NM_000548.5 (MANE Select); coding-DNA position 1655, C replaced by A.
Protein change: p.Ala552Glu; replaces alanine 552 with glutamic acid.
Molecular consequence: missense variant.
Genome position (GRCh38, 1-based): chr16:2,065,574, C>A. VCF-style: chr16-2065574-C-A. GRCh37 (hg19) VCF-style: chr16-2115575-C-A.
Other names: c.1655C>A, p.Ala552Glu (NM_001077183.3, NM_001114382.3, NM_001363528.2 and 3 more transcripts); c.1544C>A, p.Ala515Glu (NM_001318827.2); c.1508C>A, p.Ala503Glu (NM_001318829.2); c.1055C>A, p.Ala352Glu (NM_001318831.2); c.1688C>A, p.Ala563Glu (NM_001318832.2); short protein forms A352E, A503E, A515E, A552E, A563E.
Identifiers: ClinVar variation 1692482 (VCV001692482.1), dbSNP rs1555503231, ClinGen allele CA394268023.
Genomic context (GRCh38, chr16:2,065,574, plus strand): 5'-CAAAGGTGATGGCCCGCTCCCTCTCCCCACCCCCGGAGCTGGAAGAAAGGGATGTGGCCG[C>A]ATACTCGGCCTCCTTGGAGGATGTGAAGACAGCCGTCCTGGGGCTTCTGGTCATCCTTCA-3'
Protein context (NP_000539.2, residues 542-562): PPELEERDVA[Ala552Glu]YSASLEDVKT